The following is an entry in ClinVar:

NM_001370466.1(NOD2):c.2979G>A (p.Gly993=)

Genes: NOD2 (nucleotide binding oligomerization domain containing 2; plus strand), CYLD-AS1 (CYLD antisense RNA 1; minus strand). Cytogenetic location: 16q12.1.
Variant type: single nucleotide variant.
Coding change: c.2979G>A on transcript NM_001370466.1 (MANE Select); coding-DNA position 2979, G replaced by A.
Protein change: p.Gly993=; no amino-acid change (glycine 993 retained).
Molecular consequence: synonymous variant. On other transcripts: non-coding transcript variant (1).
Genome position (GRCh38, 1-based): chr16:50,731,756, G>A. VCF-style: chr16-50731756-G-A. GRCh37 (hg19) VCF-style: chr16-50765667-G-A.
Other names: c.2979G>A, p.Gly993= (NM_001293557.2); c.3060G>A, p.Gly1020= (NM_022162.3).
Identifiers: ClinVar variation 757479 (VCV000757479.17), dbSNP rs374689495, ClinGen allele CA8052071.

ClinVar aggregate classification (germline): Likely benign. Review status: criteria provided, multiple submitters, no conflicts (2 of 4 stars). 4 submissions from 4 submitters: Likely benign (3). 1 of the submissions does not count toward it. Last evaluated 2025-12-21.

Conditions:
Autoinflammatory syndrome. Identifiers: Orphanet 93665, MedGen C3890737, MONDO:0019751.
NOD2-related disorder. Also called: NOD2-related condition.
Blau syndrome (BLAUS). Also called: GRANULOMATOSIS, FAMILIAL JUVENILE SYSTEMIC; GRANULOMATOSIS, FAMILIAL, BLAU TYPE; GRANULOMATOUS INFLAMMATORY ARTHRITIS, DERMATITIS, AND UVEITIS, FAMILIAL; JABS SYNDROME; ARTHROCUTANEOUVEAL GRANULOMATOSIS. Identifiers: Orphanet 90340, MedGen C5201146, MONDO:0008523, OMIM 186580.
Regional enteritis. Also called: Enteritis, Granulomatous. Identifiers: MedGen C0678202, MeSH D003424.

Allele frequency attached by ClinVar (database versions not stated): ExAC 0.00006; gnomAD exomes 0.00007 and 0.00012; gnomAD 0.00009; TOPMed 0.00012; ESP Exome Variant Server 0.00023.
gnomAD v4.1: 191 of 1,613,128 alleles (0.012%); highest among the groups gnomAD compares: Admixed American, 0.022%; no homozygotes.

Submissions (4):

Labcorp Genetics (formerly Invitae), Labcorp
Classification: Likely benign for Regional enteritis; Blau syndrome. Last evaluated: 2025-12-21. Review status: criteria provided, single submitter. Criteria: Invitae Variant Classification Sherloc (09022015). Collection method: clinical testing. Allele origin: germline.

Blueprint Genetics
Classification: Likely benign. Last evaluated: 2022-02-05. Review status: criteria provided, single submitter. Criteria: ACMG Guidelines, 2015. Collection method: clinical testing. Allele origin: germline.

Genome Diagnostics Laboratory, The Hospital for Sick Children
Classification: Likely benign for Autoinflammatory syndrome. Last evaluated: 2021-07-13. Review status: criteria provided, single submitter. Criteria: ACMG Guidelines, 2015. Collection method: clinical testing. Allele origin: germline. Affected: yes.

PreventionGenetics, part of Exact Sciences
Classification: Likely benign for NOD2-related condition. Last evaluated: 2020-10-21. Review status: no assertion criteria provided. Collection method: clinical testing. Allele origin: germline. Not counted in ClinVar's aggregate classification.
Comment: This variant is classified as likely benign based on ACMG/AMP sequence variant interpretation guidelines (Richards et al. 2015 PMID: 25741868, with internal and published modifications).